The following is an entry in ClinVar:

ClinVar aggregate classification (germline): Uncertain significance. Review status: criteria provided, multiple submitters, no conflicts (2 of 4 stars). 2 submissions from 2 submitters: Uncertain significance (2). Last evaluated 2025-09-15.

Conditions:
Congenital disorder of deglycosylation (CDDG). Identifiers: MedGen C3808991, MONDO:0031376.

Allele frequency attached by ClinVar (database versions not stated): gnomAD 0.00001; TOPMed 0.00006; ExAC 0.00010.
gnomAD v4.1: 33 of 1,575,066 alleles (0.0021%); highest among the groups gnomAD compares: Admixed American, 0.053%; no homozygotes.

Submissions (2):

GeneDx
Classification: Uncertain significance. Last evaluated: 2025-09-15. Review status: criteria provided, single submitter. Criteria: GeneDx Variant Classification Process June 2021. Collection method: clinical testing. Allele origin: germline. Affected: yes.
Comment: In silico analysis suggests that this missense variant does not alter protein structure/function; Has not been previously published as pathogenic or benign to our knowledge

Labcorp Genetics (formerly Invitae), Labcorp
Classification: Uncertain significance for Congenital disorder of deglycosylation. Last evaluated: 2022-08-16. Review status: criteria provided, single submitter. Criteria: Invitae Variant Classification Sherloc (09022015). Collection method: clinical testing. Allele origin: germline.
Comment: This sequence change replaces proline, which is neutral and non-polar, with arginine, which is basic and polar, at codon 15 of the NGLY1 protein (p.Pro15Arg). This variant is present in population databases (rs754904758, gnomAD 0.09%). This variant has not been reported in the literature in individuals affected with NGLY1-related conditions. ClinVar contains an entry for this variant (Variation ID: 655831). Algorithms developed to predict the effect of missense changes on protein structure and function are either unavailable or do not agree on the potential impact of this missense change (SIFT: "Deleterious"; PolyPhen-2: "Not Available"; Align-GVGD: "Class C0"). In summary, the available evidence is currently insufficient to determine the role of this variant in disease. Therefore, it has been classified as a Variant of Uncertain Significance.

NM_018297.4(NGLY1):c.44C>G (p.Pro15Arg)

Gene: NGLY1 (N-glycanase 1; minus strand). Cytogenetic location: 3p24.2.
Variant type: single nucleotide variant.
Coding change: c.44C>G on transcript NM_018297.4 (MANE Select); coding-DNA position 44, C replaced by G.
Protein change: p.Pro15Arg; replaces proline 15 with arginine.
Molecular consequence: missense variant. On other transcripts: intron variant (1).
Genome position (GRCh38, 1-based): chr3:25,783,347, G>C on the plus strand (C>G on the coding strand, the complement: NGLY1 is on the minus strand). VCF-style: chr3-25783347-G-C. GRCh37 (hg19) VCF-style: chr3-25824838-G-C.
Other names: c.44C>G, p.Pro15Arg (NM_001145293.2, NM_001145295.2); c.6-4659C>G (NM_001145294.2); short protein forms P15R.
Identifiers: ClinVar variation 655831 (VCV000655831.8), dbSNP rs754904758, ClinGen allele CA2289603.